The following is an entry in ClinVar:

NM_016292.3(TRAP1):c.1990_1994del (p.Leu664fs)

Genes: DNASE1 (deoxyribonuclease 1; plus strand), TRAP1 (TNF receptor associated protein 1; minus strand). Cytogenetic location: 16p13.3.
Variant type: Microsatellite.
Coding change: c.1990_1994del on transcript NM_016292.3 (MANE Select); coding-DNA positions 1990 to 1994, 5 bases deleted (CTGGC; older notation c.1990_1994delCTGGC).
Protein change: p.Leu664fs; shifts the reading frame from leucine 664.
Molecular consequence: frameshift variant. On other transcripts: intron variant (1).
Genome position (GRCh38, 1-based): chr16:3,658,812-3,658,816, GCCAG deleted on the plus strand (CTGGC on the coding strand, the reverse complement: TRAP1 is on the minus strand); deleting any 5 consecutive bases within chr16:3,658,812-3,658,823 gives the same sequence; the c. name uses the placement nearest the transcript's 3' end. VCF-style (leftmost placement, unchanged base first): chr16-3658811-AGCCAG-A. GRCh37 (hg19) VCF-style: chr16-3708812-AGCCAG-A.
Other names: c.1831_1835del, p.Leu611fs (NM_001272049.2); c.*21+952_*21+956del (NM_001387140.1); short protein forms L611fs, L664fs.
Identifiers: ClinVar variation 3711684 (VCV003711684.2).

ClinVar aggregate classification (germline): Uncertain significance (1 of 4 stars; one submission).

Submission:

Labcorp Genetics (formerly Invitae), Labcorp
Classification: Uncertain significance. Last evaluated: 2024-06-22. Review status: criteria provided, single submitter. Criteria: Invitae Variant Classification Sherloc (09022015). Collection method: clinical testing. Allele origin: germline.
Comment: This sequence change creates a premature translational stop signal (p.Leu664Serfs*19) in the TRAP1 gene. While this is not anticipated to result in nonsense mediated decay, it is expected to disrupt the last 41 amino acid(s) of the TRAP1 protein. This variant is present in population databases (rs746411033, gnomAD 0.004%). This variant has not been reported in the literature in individuals affected with TRAP1-related conditions. Experimental studies and prediction algorithms are not available or were not evaluated, and the functional significance of this variant is currently unknown. In summary, the available evidence is currently insufficient to determine the role of this variant in disease. Therefore, it has been classified as a Variant of Uncertain Significance.